The following is an entry in ClinVar:

NM_016734.3(PAX5):c.715C>T (p.Arg239Cys)

Gene: PAX5 (paired box 5; minus strand). Cytogenetic location: 9p13.2.
Variant type: single nucleotide variant.
Coding change: c.715C>T on transcript NM_016734.3 (MANE Select); coding-DNA position 715, C replaced by T.
Protein change: p.Arg239Cys; replaces arginine 239 with cysteine.
Molecular consequence: missense variant. On other transcripts: non-coding transcript variant (2).
Genome position (GRCh38, 1-based): chr9:36,966,614, G>A on the plus strand (C>T on the coding strand, the complement: PAX5 is on the minus strand). VCF-style: chr9-36966614-G-A. GRCh37 (hg19) VCF-style: chr9-36966611-G-A.
Other names: c.715C>T, p.Arg239Cys (NM_001280549.2, NM_001280550.2, NM_001280552.2 and 2 more transcripts); c.391C>T, p.Arg131Cys (NM_001280551.2, NM_001280556.2); c.586C>T, p.Arg196Cys (NM_001280553.2, NM_001280554.2); c.517C>T, p.Arg173Cys (NM_001280555.2); short protein forms R173C, R196C, R131C, R239C.
Identifiers: ClinVar variation 2599971 (VCV002599971.4), dbSNP rs984035588, ClinGen allele CA193157828.

ClinVar aggregate classification (germline): Uncertain significance. Review status: criteria provided, multiple submitters, no conflicts (2 of 4 stars). 2 submissions from 2 submitters: Uncertain significance (2). Last evaluated 2025-10-07.

Conditions:
Inborn genetic diseases. Identifiers: MedGen C0950123, MeSH D030342.

Allele frequency attached by ClinVar (database versions not stated): TOPMed below 0.00001; gnomAD exomes 0.00001.
gnomAD v4.1: 9 of 1,614,212 alleles (0.00056%); highest among the groups gnomAD compares: African/African-American, 0.0013%; no homozygotes.

Submissions (2):

Labcorp Genetics (formerly Invitae), Labcorp
Classification: Uncertain significance. Last evaluated: 2025-10-07. Review status: criteria provided, single submitter. Criteria: Invitae Variant Classification Sherloc (09022015). Collection method: clinical testing. Allele origin: germline.
Comment: This sequence change replaces arginine, which is basic and polar, with cysteine, which is neutral and slightly polar, at codon 239 of the PAX5 protein (p.Arg239Cys). This variant is present in population databases (no rsID available, gnomAD no frequency). This variant has not been reported in the literature in individuals affected with PAX5-related conditions. ClinVar contains an entry for this variant (Variation ID: 2599971). Invitae Evidence Modeling of protein sequence and biophysical properties (such as structural, functional, and spatial information, amino acid conservation, physicochemical variation, residue mobility, and thermodynamic stability) indicates that this missense variant is not expected to disrupt PAX5 protein function with a negative predictive value of 80%. In summary, the available evidence is currently insufficient to determine the role of this variant in disease. Therefore, it has been classified as a Variant of Uncertain Significance.

Ambry Genetics
Classification: Uncertain significance for Inborn genetic diseases. Last evaluated: 2023-08-30. Review status: criteria provided, single submitter. Criteria: Ambry Variant Classification Scheme 2023. Collection method: clinical testing. Allele origin: germline.
Comment: The c.715C>T (p.R239C) alteration is located in coding exon 6 of the PAX5 gene. This alteration results from a C to T substitution at nucleotide position 715, causing the arginine (R) at amino acid position 239 to be replaced by a cysteine (C). This allele was reported in one heterozygous individual in population-based cohorts in the Genome Aggregation Database (gnomAD). This amino acid position is highly conserved in available vertebrate species. This alteration is predicted to be deleterious by in silico analysis. Based on insufficient or conflicting evidence, the clinical significance of this alteration remains unclear.